The following is an entry in ClinVar:

NM_025179.4(PLXNA2):c.5520C>T (p.His1840=)

Gene: PLXNA2 (plexin A2; minus strand). Cytogenetic location: 1q32.2.
Variant type: single nucleotide variant.
Coding change: c.5520C>T on transcript NM_025179.4 (MANE Select); coding-DNA position 5520, C replaced by T.
Protein change: p.His1840=; no amino-acid change (histidine 1840 retained).
Molecular consequence: synonymous variant.
Genome position (GRCh38, 1-based): chr1:208,028,078, G>A on the plus strand (C>T on the coding strand, the complement: PLXNA2 is on the minus strand). VCF-style: chr1-208028078-G-A. GRCh37 (hg19) VCF-style: chr1-208201423-G-A.
Other names: c.5520C>T (NM_025179.3).
Identifiers: ClinVar variation 2067967 (VCV002067967.5), dbSNP rs140101798, ClinGen allele CA1372540.
Genomic context (GRCh38, chr1:208,028,078, plus strand): 5'-ATACTTGCTGACATAGGAGTAGATCTCATTGAGGGCACTCAGCATGTTGAACTCCACGGC[G>A]TGCAGGCGGGACTGCTCGGCGAGGTAGGCATTCATGTCCTGGTCACTGATGGCTGGGAGC-3'
Protein context (NP_079455.3, residues 1830-1850): NAYLAEQSRL[His1840=]AVEFNMLSAL

ClinVar aggregate classification (germline): Likely benign. Review status: criteria provided, single submitter (1 of 4 stars). 2 submissions from 2 submitters: Likely benign (1). 1 of the submissions does not count toward it. Last evaluated 2022-10-19.

Conditions:
PLXNA2-related disorder. Also called: PLXNA2-related condition.

Allele frequency attached by ClinVar (database versions not stated): gnomAD 0.00004; TOPMed 0.00005; ExAC 0.00011; 1000 Genomes Project 30x 0.00016; 1000 Genomes Project 0.00020.
gnomAD v4.1: 81 of 1,613,430 alleles (0.005%); highest among the groups gnomAD compares: Middle Eastern, 0.033%; no homozygotes.

Submissions (2):

Labcorp Genetics (formerly Invitae), Labcorp
Classification: Likely benign. Last evaluated: 2022-10-19. Review status: criteria provided, single submitter. Criteria: Invitae Variant Classification Sherloc (09022015). Collection method: clinical testing. Allele origin: germline.

PreventionGenetics, part of Exact Sciences
Classification: Likely benign for PLXNA2-related condition. Last evaluated: 2022-11-29. Review status: no assertion criteria provided. Collection method: clinical testing. Allele origin: germline. Not counted in ClinVar's aggregate classification.
Comment: This variant is classified as likely benign based on ACMG/AMP sequence variant interpretation guidelines (Richards et al. 2015 PMID: 25741868, with internal and published modifications).